The following is an entry in ClinVar:

ClinVar aggregate classification (germline): Uncertain significance (1 of 4 stars; one submission).

Submission:

CeGaT Center for Human Genetics Tuebingen
Classification: Uncertain significance. Last evaluated: 2025-12-01. Review status: criteria provided, single submitter. Criteria: CeGaT Center For Human Genetics Tuebingen Variant Classification Criteria Version 2. Collection method: clinical testing. Allele origin: germline. Affected: yes. Observed: 1 variant allele.
Comment: SPEN: PM2

NM_015001.3(SPEN):c.751A>G (p.Arg251Gly)

Gene: SPEN (spen family transcriptional repressor; plus strand). Cytogenetic location: 1p36.21.
Variant type: single nucleotide variant.
Coding change: c.751A>G on transcript NM_015001.3 (MANE Select); coding-DNA position 751, A replaced by G.
Protein change: p.Arg251Gly; replaces arginine 251 with glycine.
Molecular consequence: missense variant.
Genome position (GRCh38, 1-based): chr1:15,876,548, A>G. VCF-style: chr1-15876548-A-G. GRCh37 (hg19) VCF-style: chr1-16203043-A-G.
Other names: short protein forms R251G.
Identifiers: ClinVar variation 4681860 (VCV004681860.5).